The following is an entry in ClinVar:

ClinVar aggregate classification (germline): Likely benign (1 of 4 stars; one submission).

Allele frequency attached by ClinVar (database versions not stated): 1000 Genomes Project 0.00040; 1000 Genomes Project 30x 0.00047; gnomAD 0.00065; TOPMed 0.00071; ESP Exome Variant Server 0.00074; ExAC 0.00079; gnomAD exomes 0.00141.
gnomAD v4.1: 2,128 of 1,613,252 alleles (0.13%); highest among the groups gnomAD compares: Non-Finnish European, 0.17%; 2 homozygotes.

Submission:

CeGaT Center for Human Genetics Tuebingen
Classification: Likely benign. Last evaluated: 2025-10-01. Review status: criteria provided, single submitter. Criteria: CeGaT Center For Human Genetics Tuebingen Variant Classification Criteria Version 2. Collection method: clinical testing. Allele origin: germline. Affected: yes. Observed: 3 variant alleles.
Comment: DPP9: BP4, BP7

NM_139159.5(DPP9):c.243G>A (p.Ala81=)

Genes: DPP9 (dipeptidyl peptidase 9; minus strand), LOC126862842 (CDK7 strongly-dependent group 2 enhancer GRCh37_chr19:4713085-4714284; plus strand). Cytogenetic location: 19p13.3.
Variant type: single nucleotide variant.
Coding change: c.243G>A on transcript NM_139159.5 (MANE Select); coding-DNA position 243, G replaced by A.
Protein change: p.Ala81=; no amino-acid change (alanine 81 retained).
Molecular consequence: synonymous variant. On other transcripts: non-coding transcript variant (11).
Genome position (GRCh38, 1-based): chr19:4,714,151, C>T on the plus strand (G>A on the coding strand, the complement: DPP9 is on the minus strand). VCF-style: chr19-4714151-C-T. GRCh37 (hg19) VCF-style: chr19-4714163-C-T.
Other names: c.243G>A, p.Ala81= (NM_001365987.2, NM_001384611.1, NM_001384612.1 and 19 more transcripts); c.156G>A, p.Ala52= (NM_001384623.1, NM_001384624.1, NM_001384625.1 and 4 more transcripts).
Identifiers: ClinVar variation 3250572 (VCV003250572.18), dbSNP rs200324423.